The following is an entry in ClinVar:

ClinVar aggregate classification (germline): Uncertain significance. Review status: criteria provided, single submitter (1 of 4 stars). 2 submissions from 2 submitters: Uncertain significance (1). 1 of the submissions does not count toward it. Last evaluated 2024-07-19.

Allele frequency attached by ClinVar (database versions not stated): TOPMed below 0.00001.
gnomAD v4.1: 1 of 1,201,954 alleles (0.000083%); highest among the groups gnomAD compares: African/African-American, 0.0017%; no homozygotes.

Submissions (2):

GeneDx
Classification: Uncertain significance. Last evaluated: 2024-07-19. Review status: criteria provided, single submitter. Criteria: GeneDx Variant Classification Process June 2021. Collection method: clinical testing. Allele origin: germline. Affected: yes.
Comment: Not observed at significant frequency in large population cohorts (gnomAD); In silico analysis supports that this missense variant has a deleterious effect on protein structure/function; Variants in candidate genes are classified as variants of uncertain significance in accordance with ACMG guidelines (PMID: 25741868); This variant is associated with the following publications: (PMID: 35294868)

Wangler Lab, Baylor College of Medicine
Classification: Likely pathogenic. Last evaluated: 2022-01-10. Review status: no assertion criteria provided. Collection method: research. Allele origin: maternal. Inheritance: X-linked recessive inheritance. Affected: yes. Observed: 1 hemizygote. Not counted in ClinVar's aggregate classification.
Comment: Marcogliese et al., (2022) have identified 13 unrelated subjects with a variable neurodevelopmental disorder with or without autistic features. This variant (c.862C>G) results in p.Ile259Met. This change is not seen in GnomAD at this highly conserved position (PM2) and in silico models predict pathogenicity (PP3). We classify this variant to be likely pathogenic based on our cohort of affected individuals with similar phenotypes.

NM_002063.4(GLRA2):c.862G>A (p.Ala288Thr)

Gene: GLRA2 (glycine receptor alpha 2; plus strand). Cytogenetic location: Xp22.2.
Variant type: single nucleotide variant.
Coding change: c.862G>A on transcript NM_002063.4 (MANE Select); coding-DNA position 862, G replaced by A.
Protein change: p.Ala288Thr; replaces alanine 288 with threonine.
Molecular consequence: missense variant.
Genome position (GRCh38, 1-based): chrX:14,609,137, G>A. VCF-style: chrX-14609137-G-A. GRCh37 (hg19) VCF-style: chrX-14627259-G-A.
Other names: c.862G>A, p.Ala288Thr (NM_001118885.2, NM_001118886.2); c.595G>A, p.Ala199Thr (NM_001171942.2); c.862G>A (NM_002063.3); short protein forms A199T, A288T.
Identifiers: ClinVar variation 1334407 (VCV001334407.3), dbSNP rs2090371373, ClinGen allele CA412434270.